The following is an entry in ClinVar:

NM_000059.4(BRCA2):c.8488-3C>T

Gene: BRCA2 (BRCA2 DNA repair associated; plus strand). Cytogenetic location: 13q13.1.
Variant type: single nucleotide variant.
Coding change: c.8488-3C>T on transcript NM_000059.4 (MANE Select); 3 bases into the intron before coding-DNA position 8488, C replaced by T.
Molecular consequence: intron variant.
Genome position (GRCh38, 1-based): chr13:32,370,953, C>T. VCF-style: chr13-32370953-C-T. GRCh37 (hg19) VCF-style: chr13-32945090-C-T.
Identifiers: ClinVar variation 630071 (VCV000630071.12), dbSNP rs1566249158, ClinGen allele CA913188610.

ClinVar aggregate classification (germline): Conflicting classifications of pathogenicity. Review status: criteria provided, conflicting classifications (1 of 4 stars). 4 submissions from 4 submitters: Uncertain significance (3); Likely benign (1). Last evaluated 2025-11-18.

Conditions:
Hereditary cancer-predisposing syndrome. Also called: Neoplastic Syndromes, Hereditary; Tumor predisposition; Hereditary neoplastic syndrome; Hereditary Cancer Syndrome. Identifiers: Orphanet 140162, MedGen C0027672, MeSH D009386, MONDO:0015356.
Hereditary breast ovarian cancer syndrome. Also called: Hereditary breast and ovarian cancer syndrome; Hereditary breast and ovarian cancer; Hereditary breast and ovarian cancer syndrome (HBOC); Breast and ovarian cancer; Hereditary breast and/or ovarian cancer syndrome; BRCA1- and BRCA2-Associated Hereditary Breast and Ovarian Cancer. Identifiers: Orphanet 145, MedGen C0677776, MeSH D061325, MONDO:0003582. Disease mechanism: loss of function.

Submissions (4):

Ambry Genetics
Classification: Uncertain significance for Hereditary cancer-predisposing syndrome. Last evaluated: 2025-11-18. Review status: criteria provided, single submitter. Criteria: Ambry Variant Classification Scheme 2023. Collection method: clinical testing. Allele origin: germline.
Comment: The c.8488-3C>T intronic variant results from a C to T substitution 3 nucleotides upstream from coding exon 19 in the BRCA2 gene. This nucleotide position is well conserved in available vertebrate species. In silico splice site analysis predicts that this alteration will not have any significant effect on splicing; however, direct evidence is insufficient at this time (Ambry internal data). Since supporting evidence is limited at this time, the clinical significance of this alteration remains unclear.

Quest Diagnostics Nichols Institute San Juan Capistrano
Classification: Uncertain significance. Last evaluated: 2025-03-29. Review status: criteria provided, single submitter. Criteria: Quest Diagnostics criteria. Collection method: clinical testing. Allele origin: unknown.
Comment: The BRCA2 c.8488-3C>T variant has not been reported in individuals with BRCA2-related conditions in the published literature. It also has not been reported in large, multi-ethnic general populations (Genome Aggregation Database). Analysis of this variant using software algorithms for the prediction of the effect of nucleotide changes on BRCA2 mRNA splicing yielded inconclusive findings. Based on the available information, we are unable to determine the clinical significance of this variant.

Labcorp Genetics (formerly Invitae), Labcorp
Classification: Uncertain significance for Hereditary breast ovarian cancer syndrome. Last evaluated: 2024-07-08. Review status: criteria provided, single submitter. Criteria: Invitae Variant Classification Sherloc (09022015). Collection method: clinical testing. Allele origin: germline.
Comment: This sequence change falls in intron 19 of the BRCA2 gene. It does not directly change the encoded amino acid sequence of the BRCA2 protein. It affects a nucleotide within the consensus splice site. This variant is not present in population databases (gnomAD no frequency). This variant has not been reported in the literature in individuals affected with BRCA2-related conditions. ClinVar contains an entry for this variant (Variation ID: 630071). Variants that disrupt the consensus splice site are a relatively common cause of aberrant splicing (PMID: 17576681, 9536098). Algorithms developed to predict the effect of sequence changes on RNA splicing suggest that this variant is not likely to affect RNA splicing. In summary, the available evidence is currently insufficient to determine the role of this variant in disease. Therefore, it has been classified as a Variant of Uncertain Significance.

Color Diagnostics, LLC DBA Color Health
Classification: Likely benign for Hereditary cancer-predisposing syndrome. Last evaluated: 2017-01-03. Review status: criteria provided, single submitter. Criteria: ACMG Guidelines, 2015. Collection method: clinical testing. Allele origin: germline.

Literature cited by the submitters: PubMed 17576681 (cited by Labcorp Genetics (formerly Invitae), Labcorp); PubMed 9536098 (cited by Labcorp Genetics (formerly Invitae), Labcorp).